The following is an entry in ClinVar:

ClinVar aggregate classification (germline): Uncertain significance (1 of 4 stars; one submission).

Submission:

Labcorp Genetics (formerly Invitae), Labcorp
Classification: Uncertain significance. Last evaluated: 2023-06-21. Review status: criteria provided, single submitter. Criteria: Invitae Variant Classification Sherloc (09022015). Collection method: clinical testing. Allele origin: germline.
Comment: In summary, the available evidence is currently insufficient to determine the role of this variant in disease. Therefore, it has been classified as a Variant of Uncertain Significance. Advanced modeling of protein sequence and biophysical properties (such as structural, functional, and spatial information, amino acid conservation, physicochemical variation, residue mobility, and thermodynamic stability) performed at Invitae indicates that this missense variant is not expected to disrupt SMARCA2 protein function. This variant has not been reported in the literature in individuals affected with SMARCA2-related conditions. This variant is not present in population databases (gnomAD no frequency). This sequence change replaces serine, which is neutral and polar, with threonine, which is neutral and polar, at codon 52 of the SMARCA2 protein (p.Ser52Thr).

NM_003070.5(SMARCA2):c.155G>C (p.Ser52Thr)

Gene: SMARCA2 (SWI/SNF related BAF chromatin remodeling complex subunit ATPase 2; plus strand). Cytogenetic location: 9p24.3.
Variant type: single nucleotide variant.
Coding change: c.155G>C on transcript NM_003070.5 (MANE Select); coding-DNA position 155, G replaced by C.
Protein change: p.Ser52Thr; replaces serine 52 with threonine.
Molecular consequence: missense variant.
Genome position (GRCh38, 1-based): chr9:2,029,177, G>C. VCF-style: chr9-2029177-G-C. GRCh37 (hg19) VCF-style: chr9-2029177-G-C.
Other names: c.155G>C, p.Ser52Thr (NM_001289396.2, NM_001289397.2, NM_139045.4); short protein forms S52T.
Identifiers: ClinVar variation 2721867 (VCV002721867.3), dbSNP rs2537192938, ClinGen allele CA372779268.